The following is an entry in ClinVar:

NM_017999.5(RNF31):c.2246_2254del (p.Arg749_Asp751del)

Gene: RNF31 (ring finger protein 31; plus strand). Cytogenetic location: 14q12.
Variant type: Deletion.
Coding change: c.2246_2254del on transcript NM_017999.5 (MANE Select); coding-DNA positions 2246 to 2254, 9 bases deleted (GCCCCGACC; older notation c.2246_2254delGCCCCGACC).
Protein change: p.Arg749_Asp751del.
Molecular consequence: inframe deletion.
Genome position (GRCh38, 1-based): chr14:24,155,272-24,155,280, GCCCCGACC deleted; deleting any 9 consecutive bases within chr14:24,155,270-24,155,280 gives the same sequence; the c. name uses the placement nearest the transcript's 3' end. VCF-style (leftmost placement, unchanged base first): chr14-24155269-GCCGCCCCGA-G. GRCh37 (hg19) VCF-style: chr14-24624478-GCCGCCCCGA-G.
Other names: c.1793_1801del, p.Arg598_Asp600del (NM_001310332.2).
Identifiers: ClinVar variation 1375526 (VCV001375526.6), dbSNP rs2139087493, ClinGen allele CA2573149898.

ClinVar aggregate classification (germline): Uncertain significance (1 of 4 stars; one submission).

Submission:

Labcorp Genetics (formerly Invitae), Labcorp
Classification: Uncertain significance. Last evaluated: 2022-06-03. Review status: criteria provided, single submitter. Criteria: Invitae Variant Classification Sherloc (09022015). Collection method: clinical testing. Allele origin: germline.
Comment: In summary, the available evidence is currently insufficient to determine the role of this variant in disease. Therefore, it has been classified as a Variant of Uncertain Significance. Experimental studies and prediction algorithms are not available or were not evaluated, and the functional significance of this variant is currently unknown. ClinVar contains an entry for this variant (Variation ID: 1375526). This variant has not been reported in the literature in individuals affected with RNF31-related conditions. This variant is not present in population databases (gnomAD no frequency). This variant, c.2246_2254del, results in the deletion of 3 amino acid(s) of the RNF31 protein (p.Arg749_Asp751del), but otherwise preserves the integrity of the reading frame.